The following is an entry in ClinVar:

NM_000142.5(FGFR3):c.1286C>A (p.Ala429Glu)

Gene: FGFR3 (fibroblast growth factor receptor 3; plus strand). Cytogenetic location: 4p16.3.
Variant type: single nucleotide variant.
Coding change: c.1286C>A on transcript NM_000142.5 (MANE Select); coding-DNA position 1286, C replaced by A.
Protein change: p.Ala429Glu; replaces alanine 429 with glutamic acid.
Molecular consequence: missense variant. On other transcripts: non-coding transcript variant (1).
Genome position (GRCh38, 1-based): chr4:1,804,843, C>A. VCF-style: chr4-1804843-C-A. GRCh37 (hg19) VCF-style: chr4-1806570-C-A.
Other names: c.1292C>A, p.Ala431Glu (NM_001163213.2); c.1289C>A, p.Ala430Glu (NM_001354809.2, NM_001354810.2); c.950C>A, p.Ala317Glu (NM_022965.4); short protein forms A317E, A429E, A430E, A431E.
Identifiers: ClinVar variation 4857781 (VCV004857781.1).
Genomic context (GRCh38, chr4:1,804,843, plus strand): 5'-TCGCCCACGCGGCGCCAACCTGCCCCTGCTGACCCAAGCAGGTGTCCCTGGAGTCCAACG[C>A]GTCCATGAGCTCCAACACACCACTGGTGCGCATCGCAAGGCTGTCCTCAGGGGAGGGCCC-3'
Protein context (NP_000133.1, residues 419-439): LKRQVSLESN[Ala429Glu]SMSSNTPLVR

ClinVar aggregate classification (germline): Uncertain significance (1 of 4 stars; one submission).

Conditions:
FGFR3-related chondrodysplasia. Identifiers: Orphanet 93420, MedGen C5681604, MONDO:0019685.

Submission:

Genomenon, Inc
Classification: Uncertain significance for FGFR3-related chondrodysplasia. Last evaluated: 2026-06-23. Review status: criteria provided, single submitter. Criteria: Genomenon Sequence Variant Interpretation Standards - Updated. Collection method: curation. Allele origin: germline. Affected: no.
Comment: FGFR3 p.Ala429Glu (c.1286C>A) is a missense variant that changes the amino acid at codon 429 from Alanine to Glutamic acid. This variant has been reported in the published literature (PMID:36479692;35210354). It is absent or not present at a significant frequency in gnomAD. In conclusion, we classify FGFR3 p.Ala429Glu (c.1286C>A) as a variant of uncertain significance.

Literature cited by the submitters: PubMed 36479692; PubMed 35210354.